The following is an entry in ClinVar:

ClinVar aggregate classification (germline): Pathogenic/Likely pathogenic. Review status: criteria provided, multiple submitters, no conflicts (2 of 4 stars). 2 submissions from 2 submitters: Pathogenic (1); Likely pathogenic (1). Last evaluated 2024-02-23.

Conditions:
Deficiency of galactokinase. Also called: Galactokinase deficiency with cataracts; GALACTOSEMIA II. Identifiers: Orphanet 352, Orphanet 79237, MedGen C0268155, MONDO:0009255, OMIM 230200.

Allele frequency attached by ClinVar (database versions not stated): TOPMed below 0.00001; ExAC 0.00001.
gnomAD v4.1: 1 of 1,613,496 alleles (0.000062%); no homozygotes.

Submissions (2):

Natera, Inc.
Classification: Likely pathogenic for Deficiency of galactokinase. Last evaluated: 2024-02-23. Review status: criteria provided, single submitter. Criteria: Natera Variant Classification Schema (03/2026). Collection method: clinical testing. Allele origin: germline.
Comment: The c.793+2T>C variant in GALK1 is a canonical splice donor site variant predicted to affect pre-mRNA splicing, which may result in an abnormal transcript and altered protein product. This variant is expected to result in nonsense mediated decay, truncation, or a dysfunctional protein product. This variant is rare in the general population with a frequency below the threshold expected for the associated phenotype(s). Given the available evidence, this variant is classified as Likely Pathogenic.

Labcorp Genetics (formerly Invitae), Labcorp
Classification: Pathogenic for Deficiency of galactokinase. Last evaluated: 2023-07-01. Review status: criteria provided, single submitter. Criteria: Invitae Variant Classification Sherloc (09022015). Collection method: clinical testing. Allele origin: germline.
Comment: This sequence change affects a donor splice site in intron 5 of the GALK1 gene. It is expected to disrupt RNA splicing. Variants that disrupt the donor or acceptor splice site typically lead to a loss of protein function (PMID: 16199547), and loss-of-function variants in GALK1 are known to be pathogenic (PMID: 7670469, 10790206). This variant is not present in population databases (gnomAD no frequency). Disruption of this splice site has been observed in individual(s) with galactokinase deficiency (Invitae). In at least one individual the data is consistent with being in trans (on the opposite chromosome) from a pathogenic variant. ClinVar contains an entry for this variant (Variation ID: 2046151). Algorithms developed to predict the effect of sequence changes on RNA splicing suggest that this variant may disrupt the consensus splice site. For these reasons, this variant has been classified as Pathogenic.

Literature cited by the submitters: PubMed 16199547 (cited by Labcorp Genetics (formerly Invitae), Labcorp); PubMed 7670469 (cited by Labcorp Genetics (formerly Invitae), Labcorp); PubMed 10790206 (cited by Labcorp Genetics (formerly Invitae), Labcorp).

NM_000154.2(GALK1):c.793+2T>C

Gene: GALK1 (galactokinase 1; minus strand). Cytogenetic location: 17q25.1.
Variant type: single nucleotide variant.
Coding change: c.793+2T>C on transcript NM_000154.2 (MANE Select); the canonical splice donor site of the intron after coding-DNA position 793, T replaced by C.
Molecular consequence: splice donor variant.
Genome position (GRCh38, 1-based): chr17:75,762,702, A>G on the plus strand (T>C on the coding strand, the complement: GALK1 is on the minus strand). VCF-style: chr17-75762702-A-G. GRCh37 (hg19) VCF-style: chr17-73758783-A-G.
Other names: c.793+2T>C (NM_000154.1, NM_001381985.1).
Identifiers: ClinVar variation 2046151 (VCV002046151.5), dbSNP rs759699355, ClinGen allele CA8770831.